The following is an entry in ClinVar:

ClinVar aggregate classification (germline): Uncertain significance. Review status: criteria provided, multiple submitters, no conflicts (2 of 4 stars). 2 submissions from 2 submitters: Uncertain significance (2). Last evaluated 2024-03-07.

Conditions:
Renal-hepatic-pancreatic dysplasia 2 (RHPD2). Identifiers: MedGen C3809434, MONDO:0014174, OMIM 615415.
Polycystic kidney disease 8. Identifiers: MedGen C5935640, MONDO:0971178, OMIM 620903.
Nephronophthisis 9 (NPHP9). Identifiers: Orphanet 655, MedGen C3151188, MONDO:0013444, OMIM 613824.

Allele frequency attached by ClinVar (database versions not stated): ExAC 0.00006; gnomAD 0.00006; TOPMed 0.00006; gnomAD exomes 0.00007; 1000 Genomes Project 30x 0.00016; 1000 Genomes Project 0.00020.
gnomAD v4.1: 163 of 1,613,818 alleles (0.01%); highest among the groups gnomAD compares: Non-Finnish European, 0.013%; no homozygotes.

Submissions (2):

Fulgent Genetics
Classification: Uncertain significance for Nephronophthisis 9; Renal-hepatic-pancreatic dysplasia 2; Polycystic kidney disease 8. Last evaluated: 2024-03-07. Review status: criteria provided, single submitter. Criteria: ACMG Guidelines, 2015. Collection method: clinical testing. Allele origin: germline.

Labcorp Genetics (formerly Invitae), Labcorp
Classification: Uncertain significance for Nephronophthisis 9. Last evaluated: 2019-05-08. Review status: criteria provided, single submitter. Criteria: Invitae Variant Classification Sherloc (09022015). Collection method: clinical testing. Allele origin: germline.
Comment: In summary, the available evidence is currently insufficient to determine the role of this variant in disease. Therefore, it has been classified as a Variant of Uncertain Significance. Algorithms developed to predict the effect of sequence changes on RNA splicing suggest that this variant may create or strengthen a splice site, but this prediction has not been confirmed by published transcriptional studies. Algorithms developed to predict the effect of missense changes on protein structure and function do not agree on the potential impact of this missense change (SIFT: "Deleterious"; PolyPhen-2: "Benign"; Align-GVGD: "Class C0"). This variant has not been reported in the literature in individuals with NEK8-related disease. This variant is present in population databases (rs200972000, ExAC 0.01%). This sequence change replaces arginine with glutamine at codon 326 of the NEK8 protein (p.Arg326Gln). The arginine residue is highly conserved and there is a small physicochemical difference between arginine and glutamine.

NM_178170.3(NEK8):c.977G>A (p.Arg326Gln)

Gene: NEK8 (NIMA related kinase 8; plus strand). Cytogenetic location: 17q11.2.
Variant type: single nucleotide variant.
Coding change: c.977G>A on transcript NM_178170.3 (MANE Select); coding-DNA position 977, G replaced by A.
Protein change: p.Arg326Gln; replaces arginine 326 with glutamine.
Molecular consequence: missense variant.
Genome position (GRCh38, 1-based): chr17:28,737,906, G>A. VCF-style: chr17-28737906-G-A. GRCh37 (hg19) VCF-style: chr17-27064924-G-A.
Other names: short protein forms R326Q.
Identifiers: ClinVar variation 539142 (VCV000539142.10), dbSNP rs200972000, ClinGen allele CA8467259.